The following is an entry in ClinVar:

NM_001205293.3(CACNA1E):c.6767T>C (p.Val2256Ala)

Gene: CACNA1E (calcium voltage-gated channel subunit alpha1 E; plus strand). Cytogenetic location: 1q25.3.
Variant type: single nucleotide variant.
Coding change: c.6767T>C on transcript NM_001205293.3 (MANE Select); coding-DNA position 6767, T replaced by C.
Protein change: p.Val2256Ala; replaces valine 2256 with alanine.
Molecular consequence: missense variant.
Genome position (GRCh38, 1-based): chr1:181,798,659, T>C. VCF-style: chr1-181798659-T-C. GRCh37 (hg19) VCF-style: chr1-181767795-T-C.
Other names: c.6638T>C, p.Val2213Ala (NM_000721.4); c.6581T>C, p.Val2194Ala (NM_001205294.2); short protein forms V2213A, V2194A, V2256A.
Identifiers: ClinVar variation 1427411 (VCV001427411.5), dbSNP rs2102912609, ClinGen allele CA343845480.

ClinVar aggregate classification (germline): Uncertain significance (1 of 4 stars; one submission).

Submission:

Labcorp Genetics (formerly Invitae), Labcorp
Classification: Uncertain significance. Last evaluated: 2023-10-05. Review status: criteria provided, single submitter. Criteria: Invitae Variant Classification Sherloc (09022015). Collection method: clinical testing. Allele origin: germline.
Comment: This sequence change replaces valine, which is neutral and non-polar, with alanine, which is neutral and non-polar, at codon 2213 of the CACNA1E protein (p.Val2213Ala). This variant is not present in population databases (gnomAD no frequency). This variant has not been reported in the literature in individuals affected with CACNA1E-related conditions. ClinVar contains an entry for this variant (Variation ID: 1427411). Advanced modeling of protein sequence and biophysical properties (such as structural, functional, and spatial information, amino acid conservation, physicochemical variation, residue mobility, and thermodynamic stability) has been performed at Invitae for this missense variant, however the output from this modeling did not meet the statistical confidence thresholds required to predict the impact of this variant on CACNA1E protein function. In summary, the available evidence is currently insufficient to determine the role of this variant in disease. Therefore, it has been classified as a Variant of Uncertain Significance.